The following is an entry in ClinVar:

NM_016188.5(ACTL6B):c.1112C>T (p.Pro371Leu)

Gene: ACTL6B (actin like 6B; minus strand). Cytogenetic location: 7q22.1.
Variant type: single nucleotide variant.
Coding change: c.1112C>T on transcript NM_016188.5 (MANE Select); coding-DNA position 1112, C replaced by T.
Protein change: p.Pro371Leu; replaces proline 371 with leucine.
Molecular consequence: missense variant. On other transcripts: non-coding transcript variant (1).
Genome position (GRCh38, 1-based): chr7:100,646,552, G>A on the plus strand (C>T on the coding strand, the complement: ACTL6B is on the minus strand). VCF-style: chr7-100646552-G-A. GRCh37 (hg19) VCF-style: chr7-100244175-G-A.
Other names: short protein forms P371L.
Identifiers: ClinVar variation 4282457 (VCV004282457.1).

ClinVar aggregate classification (germline): Likely pathogenic (1 of 4 stars; one submission).

gnomAD v4.1: 1 of 1,614,012 alleles (0.000062%); highest among the groups gnomAD compares: Middle Eastern, 0.017%; no homozygotes.

Submission:

GeneDx
Classification: Likely pathogenic. Last evaluated: 2025-04-08. Review status: criteria provided, single submitter. Criteria: GeneDx Variant Classification Process June 2021. Collection method: clinical testing. Allele origin: germline. Affected: yes.
Comment: Not observed at significant frequency in large population cohorts (gnomAD); In silico analysis supports that this missense variant has a deleterious effect on protein structure/function; Has not been previously published as pathogenic or benign to our knowledge